The following is an entry in ClinVar:

ClinVar aggregate classification (germline): Uncertain significance (1 of 4 stars; one submission).

Submission:

Labcorp Genetics (formerly Invitae), Labcorp
Classification: Uncertain significance. Last evaluated: 2022-09-29. Review status: criteria provided, single submitter. Criteria: Invitae Variant Classification Sherloc (09022015). Collection method: clinical testing. Allele origin: germline.
Comment: In summary, the available evidence is currently insufficient to determine the role of this variant in disease. Therefore, it has been classified as a Variant of Uncertain Significance. Algorithms developed to predict the effect of missense changes on protein structure and function are either unavailable or do not agree on the potential impact of this missense change (SIFT: "Deleterious"; PolyPhen-2: "Probably Damaging"; Align-GVGD: "Class C0"). This variant has not been reported in the literature in individuals affected with OTOG-related conditions. This variant is not present in population databases (gnomAD no frequency). This sequence change replaces isoleucine, which is neutral and non-polar, with asparagine, which is neutral and polar, at codon 2468 of the OTOG protein (p.Ile2468Asn).

NM_001292063.2(OTOG):c.7367T>A (p.Ile2456Asn)

Gene: OTOG (otogelin; plus strand). Cytogenetic location: 11p15.1.
Variant type: single nucleotide variant.
Coding change: c.7367T>A on transcript NM_001292063.2 (MANE Select); coding-DNA position 7367, T replaced by A.
Protein change: p.Ile2456Asn; replaces isoleucine 2456 with asparagine.
Molecular consequence: missense variant.
Genome position (GRCh38, 1-based): chr11:17,634,168, T>A. VCF-style: chr11-17634168-T-A. GRCh37 (hg19) VCF-style: chr11-17655715-T-A.
Other names: c.7403T>A, p.Ile2468Asn (NM_001277269.2); short protein forms I2456N, I2468N.
Identifiers: ClinVar variation 1719918 (VCV001719918.5), dbSNP rs928609008, ClinGen allele CA218497937.
Genomic context (GRCh38, chr11:17,634,168, plus strand): 5'-AGACCTGGAACAGCTCCCTCAGCGGCTGCTGCCAGCACCAGTGCCAAGCCCCAGACACCA[T>A]TGTCCCGGTGGATCTGGGCTGCCCCAGTCCCCGCCCTGAGAGCTGCCTGCGATTCGGGGA-3'
Protein context (NP_001278992.1, residues 2446-2466): CQHQCQAPDT[Ile2456Asn]VPVDLGCPSP